The following is an entry in ClinVar:

NM_001278064.2(GRM1):c.78A>G (p.Lys26=)

Gene: GRM1 (glutamate metabotropic receptor 1; plus strand). Cytogenetic location: 6q24.3.
Variant type: single nucleotide variant.
Coding change: c.78A>G on transcript NM_001278064.2 (MANE Select); coding-DNA position 78, A replaced by G.
Protein change: p.Lys26=; no amino-acid change (lysine 26 retained).
Molecular consequence: synonymous variant.
Genome position (GRCh38, 1-based): chr6:146,029,595, A>G. VCF-style: chr6-146029595-A-G. GRCh37 (hg19) VCF-style: chr6-146350731-A-G.
Other names: c.78A>G, p.Lys26= (NM_001278065.2, NM_001278066.1, NM_001278067.1).
Identifiers: ClinVar variation 3905556 (VCV003905556.10).
Genomic context (GRCh38, chr6:146,029,595, plus strand): 5'-GTTTTTTTTCCCAGCGATCTTTTTGGAGGTGTCCCTTCTCCCCAGAAGCCCCGGCAGGAA[A>G]GTGTTGCTGGCAGGAGCGTCGTCTCAGCGCTCGGTGGCCAGAATGGACGGAGATGTCATC-3'
Protein context (NP_001264993.1, residues 16-36): VSLLPRSPGR[Lys26=]VLLAGASSQR

ClinVar aggregate classification (germline): Likely benign (1 of 4 stars; one submission).

gnomAD v4.1: 19 of 1,614,012 alleles (0.0012%); highest among the groups gnomAD compares: Non-Finnish European, 0.0014%; no homozygotes.

Submission:

CeGaT Center for Human Genetics Tuebingen
Classification: Likely benign. Last evaluated: 2025-06-01. Review status: criteria provided, single submitter. Criteria: CeGaT Center For Human Genetics Tuebingen Variant Classification Criteria Version 2. Collection method: clinical testing. Allele origin: germline. Affected: yes. Observed: 1 variant allele.
Comment: GRM1: BP4, BP7